The following is an entry in ClinVar:

NM_020987.5(ANK3):c.6178G>A (p.Gly2060Ser)

Gene: ANK3 (ankyrin 3; minus strand). Cytogenetic location: 10q21.2.
Variant type: single nucleotide variant.
Coding change: c.6178G>A on transcript NM_020987.5 (MANE Select); coding-DNA position 6178, G replaced by A.
Protein change: p.Gly2060Ser; replaces glycine 2060 with serine.
Molecular consequence: missense variant. On other transcripts: intron variant (4).
Genome position (GRCh38, 1-based): chr10:60,074,703, C>T on the plus strand (G>A on the coding strand, the complement: ANK3 is on the minus strand). VCF-style: chr10-60074703-C-T. GRCh37 (hg19) VCF-style: chr10-61834461-C-T.
Other names: c.4387+5834G>A (NM_001204403.2); c.4408+5834G>A (NM_001204404.2); c.4405+5834G>A (NM_001320874.2); c.1807+5834G>A (NM_001149.4); short protein forms G2060S.
Identifiers: ClinVar variation 3678716 (VCV003678716.2).

ClinVar aggregate classification (germline): Uncertain significance (1 of 4 stars; one submission).

gnomAD v4.1: 1 of 1,613,576 alleles (0.000062%); highest among the groups gnomAD compares: Non-Finnish European, 0.000085%; no homozygotes.

Submission:

Labcorp Genetics (formerly Invitae), Labcorp
Classification: Uncertain significance. Last evaluated: 2024-11-30. Review status: criteria provided, single submitter. Criteria: Invitae Variant Classification Sherloc (09022015). Collection method: clinical testing. Allele origin: germline.
Comment: This sequence change replaces glycine, which is neutral and non-polar, with serine, which is neutral and polar, at codon 2060 of the ANK3 protein (p.Gly2060Ser). This variant is not present in population databases (gnomAD no frequency). This variant has not been reported in the literature in individuals affected with ANK3-related conditions. Invitae Evidence Modeling of protein sequence and biophysical properties (such as structural, functional, and spatial information, amino acid conservation, physicochemical variation, residue mobility, and thermodynamic stability) indicates that this missense variant is not expected to disrupt ANK3 protein function with a negative predictive value of 80%. In summary, the available evidence is currently insufficient to determine the role of this variant in disease. Therefore, it has been classified as a Variant of Uncertain Significance.